The following is an entry in ClinVar:

ClinVar aggregate classification (germline): Pathogenic/Likely pathogenic. Review status: criteria provided, multiple submitters, no conflicts (2 of 4 stars). 2 submissions from 2 submitters: Pathogenic (1); Likely pathogenic (1). Last evaluated 2025-06-11.

Conditions:
Autosomal recessive limb-girdle muscular dystrophy type 2A (LGMDR1). Also called: LEYDEN-MOEBIUS MUSCULAR DYSTROPHY; MUSCULAR DYSTROPHY, PELVOFEMORAL; Limb-girdle muscular dystrophy, type 2A; Calpainopathy; Muscular dystrophy, limb-girdle, type 2A, Amish. Identifiers: Orphanet 267, MedGen C1869123, MONDO:0009675, OMIM 253600. Disease mechanism: loss of function.

gnomAD v4.1: 2 of 1,609,454 alleles (0.00012%); highest among the groups gnomAD compares: Non-Finnish European, 0.000085%; no homozygotes.

Submissions (2):

Natera, Inc.
Classification: Likely pathogenic for Limb-girdle muscular dystrophy type 2A. Last evaluated: 2025-06-11. Review status: criteria provided, single submitter. Criteria: Natera Variant Classification Schema (03/2026). Collection method: clinical testing. Allele origin: germline.
Comment: The c.1193+2T>C variant in CAPN3 is a canonical splice donor site variant predicted to affect pre-mRNA splicing, which may result in an abnormal transcript and altered protein product. This variant is expected to result in nonsense mediated decay, truncation, or a dysfunctional protein product. This variant is rare in the general population with a frequency below the threshold expected for the associated phenotype(s). This variant has been observed in one or more individuals affected with the associated recessive disease, as either homozygous or compound heterozygous with a second variant (PMID: 37273706). Given the available evidence, this variant is classified as Likely Pathogenic.

Revvity Omics, Revvity
Classification: Pathogenic. Last evaluated: 2024-12-02. Review status: criteria provided, single submitter. Criteria: ACMG Guidelines, 2015. Collection method: clinical testing. Allele origin: germline.

Literature cited by the submitters: PubMed 37273706 (cited by Natera, Inc.).

NM_000070.3(CAPN3):c.1193+2T>C

Gene: CAPN3 (calpain 3; plus strand). Cytogenetic location: 15q15.1.
Variant type: single nucleotide variant.
Coding change: c.1193+2T>C on transcript NM_000070.3 (MANE Select); the canonical splice donor site of the intron after coding-DNA position 1193, T replaced by C.
Molecular consequence: splice donor variant.
Genome position (GRCh38, 1-based): chr15:42,396,879, T>C. VCF-style: chr15-42396879-T-C. GRCh37 (hg19) VCF-style: chr15-42689077-T-C.
Other names: c.1193+2T>C (NM_000070.2, NM_024344.2); c.1049+2T>C (NM_173087.2).
Identifiers: ClinVar variation 4077714 (VCV004077714.2).